The following is an entry in ClinVar:

ClinVar aggregate classification (germline): Uncertain significance. Review status: criteria provided, multiple submitters, no conflicts (2 of 4 stars). 3 submissions from 3 submitters: Uncertain significance (3). Last evaluated 2024-04-01.

Conditions:
Inborn genetic diseases. Identifiers: MedGen C0950123, MeSH D030342.

Allele frequency attached by ClinVar (database versions not stated): gnomAD 0.00001; TOPMed 0.00001.

Submissions (3):

Women's Health and Genetics/Laboratory Corporation of America, LabCorp
Classification: Uncertain significance. Last evaluated: 2024-04-01. Review status: criteria provided, single submitter. Criteria: LabCorp Variant Classification Summary - May 2015. Collection method: clinical testing. Allele origin: germline.
Comment: Variant summary: TRRAP c.640A>G (p.Ile214Val) results in a conservative amino acid change in the encoded protein sequence. Four of five in-silico tools predict a benign effect of the variant on protein function. The variant was absent in 251408 control chromosomes. The available data on variant occurrences in the general population are insufficient to allow any conclusion about variant significance. To our knowledge, no occurrence of c.640A>G in individuals affected with Developmental Delay With Or Without Dysmorphic Facies And Autism and no experimental evidence demonstrating its impact on protein function have been reported. ClinVar contains an entry for this variant (Variation ID: 2240900). Based on the evidence outlined above, the variant was classified as uncertain significance.

Labcorp Genetics (formerly Invitae), Labcorp
Classification: Uncertain significance. Last evaluated: 2023-12-17. Review status: criteria provided, single submitter. Criteria: Invitae Variant Classification Sherloc (09022015). Collection method: clinical testing. Allele origin: germline.
Comment: This sequence change replaces isoleucine, which is neutral and non-polar, with valine, which is neutral and non-polar, at codon 214 of the TRRAP protein (p.Ile214Val). This variant is not present in population databases (gnomAD no frequency). This variant has not been reported in the literature in individuals affected with TRRAP-related conditions. ClinVar contains an entry for this variant (Variation ID: 2240900). Advanced modeling of protein sequence and biophysical properties (such as structural, functional, and spatial information, amino acid conservation, physicochemical variation, residue mobility, and thermodynamic stability) performed at Invitae indicates that this missense variant is not expected to disrupt TRRAP protein function with a negative predictive value of 80%. In summary, the available evidence is currently insufficient to determine the role of this variant in disease. Therefore, it has been classified as a Variant of Uncertain Significance.

Ambry Genetics
Classification: Uncertain significance for Inborn genetic diseases. Last evaluated: 2021-08-02. Review status: criteria provided, single submitter. Criteria: Ambry Variant Classification Scheme 2023. Collection method: clinical testing. Allele origin: germline.

NM_001375524.1(TRRAP):c.640A>G (p.Ile214Val)

Gene: TRRAP (transformation/transcription domain associated protein; plus strand). Cytogenetic location: 7q22.1.
Variant type: single nucleotide variant.
Coding change: c.640A>G on transcript NM_001375524.1 (MANE Select); coding-DNA position 640, A replaced by G.
Protein change: p.Ile214Val; replaces isoleucine 214 with valine.
Molecular consequence: missense variant.
Genome position (GRCh38, 1-based): chr7:98,899,428, A>G. VCF-style: chr7-98899428-A-G. GRCh37 (hg19) VCF-style: chr7-98497051-A-G.
Other names: c.640A>G, p.Ile214Val (NM_001244580.2, NM_003496.4); short protein forms I214V.
Identifiers: ClinVar variation 2240900 (VCV002240900.6), dbSNP rs781846789, ClinGen allele CA163054608.
Genomic context (GRCh38, chr7:98,899,428, plus strand): 5'-GCTATTTTAAATGCCACAATGGTAACCCGGGTCCTACCCATTTCTGTCTTCCAGCATTCC[A>G]TCATTCCGAGGGGATCACTTTCTCTGAAAGTGTTGGCAGAATTGCCCATTATTGTTGTTT-3'
Protein context (NP_001362453.1, residues 204-224): REDSETRTHS[Ile214Val]IPRGSLSLKV